The following is an entry in ClinVar:

NM_000361.3(THBD):c.700C>T (p.His234Tyr)

Gene: THBD (thrombomodulin; minus strand). Cytogenetic location: 20p11.21.
Variant type: single nucleotide variant.
Coding change: c.700C>T on transcript NM_000361.3 (MANE Select); coding-DNA position 700, C replaced by T.
Protein change: p.His234Tyr; replaces histidine 234 with tyrosine.
Molecular consequence: missense variant.
Genome position (GRCh38, 1-based): chr20:23,048,805, G>A on the plus strand (C>T on the coding strand, the complement: THBD is on the minus strand). VCF-style: chr20-23048805-G-A. GRCh37 (hg19) VCF-style: chr20-23029442-G-A.
Other names: short protein forms H234Y.
Identifiers: ClinVar variation 4707693 (VCV004707693.1).

ClinVar aggregate classification (germline): Uncertain significance (1 of 4 stars; one submission).

Submission:

Labcorp Genetics (formerly Invitae), Labcorp
Classification: Uncertain significance. Last evaluated: 2025-02-25. Review status: criteria provided, single submitter. Criteria: Invitae Variant Classification Sherloc (09022015). Collection method: clinical testing. Allele origin: germline.
Comment: This sequence change replaces histidine, which is basic and polar, with tyrosine, which is neutral and polar, at codon 234 of the THBD protein (p.His234Tyr). This variant is not present in population databases (gnomAD no frequency). This variant has not been reported in the literature in individuals affected with THBD-related conditions. Invitae Evidence Modeling of protein sequence and biophysical properties (such as structural, functional, and spatial information, amino acid conservation, physicochemical variation, residue mobility, and thermodynamic stability) indicates that this missense variant is not expected to disrupt THBD protein function with a negative predictive value of 80%. In summary, the available evidence is currently insufficient to determine the role of this variant in disease. Therefore, it has been classified as a Variant of Uncertain Significance.